The following is an entry in ClinVar:

NM_199420.4(POLQ):c.69C>A (p.Ser23Arg)

Genes: POLQ (DNA polymerase theta; minus strand), LOC112872292 (Sharpr-MPRA regulatory region 30; plus strand). Cytogenetic location: 3q13.33.
Variant type: single nucleotide variant.
Coding change: c.69C>A on transcript NM_199420.4 (MANE Select); coding-DNA position 69, C replaced by A.
Protein change: p.Ser23Arg; replaces serine 23 with arginine.
Molecular consequence: missense variant.
Genome position (GRCh38, 1-based): chr3:121,545,809, G>T on the plus strand (C>A on the coding strand, the complement: POLQ is on the minus strand). VCF-style: chr3-121545809-G-T. GRCh37 (hg19) VCF-style: chr3-121264656-G-T.
Other names: short protein forms S23R.
Identifiers: ClinVar variation 1756550 (VCV001756550.2), dbSNP rs1160855441, ClinGen allele CA354097528.

ClinVar aggregate classification (germline): Uncertain significance (1 of 4 stars; one submission).

Allele frequency attached by ClinVar (database versions not stated): TOPMed below 0.00001.
gnomAD v4.1: 1 of 1,613,380 alleles (0.000062%); highest among the groups gnomAD compares: Admixed American, 0.0017%; no homozygotes.

Submission:

Ambry Genetics
Classification: Uncertain significance. Last evaluated: 2022-04-21. Review status: criteria provided, single submitter. Criteria: Ambry Variant Classification Scheme 2023. Collection method: clinical testing. Allele origin: germline.
Comment: The p.S23R variant (also known as c.69C>A), located in coding exon 1 of the POLQ gene, results from a C to A substitution at nucleotide position 69. The serine at codon 23 is replaced by arginine, an amino acid with dissimilar properties. This amino acid position is conserved. In addition, this alteration is predicted to be tolerated by in silico analysis. Since supporting evidence is limited at this time, the clinical significance of this alteration remains unclear.